The following is an entry in ClinVar:

ClinVar aggregate classification (germline): Uncertain significance. Review status: criteria provided, multiple submitters, no conflicts (2 of 4 stars). 3 submissions from 3 submitters: Uncertain significance (3). Last evaluated 2021-05-29.

Conditions:
Emery-Dreifuss muscular dystrophy 5, autosomal dominant (EDMD5). Also called: EMERY-DREIFUSS MUSCULAR DYSTROPHY 5. Identifiers: Orphanet 261, MedGen C2751805, MONDO:0013072, OMIM 612999.

Allele frequency attached by ClinVar (database versions not stated): gnomAD exomes 0.00002 and 0.00009; ExAC 0.00003; TOPMed 0.00003; gnomAD 0.00004 and 0.00005; ESP Exome Variant Server 0.00008.
gnomAD v4.1: 134 of 1,613,974 alleles (0.0083%); highest among the groups gnomAD compares: Non-Finnish European, 0.011%; no homozygotes.

Submissions (3):

Labcorp Genetics (formerly Invitae), Labcorp
Classification: Uncertain significance for Emery-Dreifuss muscular dystrophy 5, autosomal dominant. Last evaluated: 2021-05-29. Review status: criteria provided, single submitter. Criteria: Invitae Variant Classification Sherloc (09022015). Collection method: clinical testing. Allele origin: germline.
Comment: This sequence change replaces phenylalanine with serine at codon 615 of the SYNE2 protein (p.Phe615Ser). The phenylalanine residue is weakly conserved and there is a large physicochemical difference between phenylalanine and serine. This variant is present in population databases (rs369877790, ExAC 0.006%). In summary, the available evidence is currently insufficient to determine the role of this variant in disease. Therefore, it has been classified as a Variant of Uncertain Significance. Algorithms developed to predict the effect of missense changes on protein structure and function output the following: SIFT: "Tolerated"; PolyPhen-2: "Benign"; Align-GVGD: "Class C0". The serine amino acid residue is found in multiple mammalian species, suggesting that this missense change does not adversely affect protein function. These predictions have not been confirmed by published functional studies and their clinical significance is uncertain. This variant has not been reported in the literature in individuals with SYNE2-related conditions. ClinVar contains an entry for this variant (Variation ID: 313490).

Revvity Omics, Revvity
Classification: Uncertain significance for Emery-Dreifuss muscular dystrophy 5, autosomal dominant. Last evaluated: 2019-12-12. Review status: criteria provided, single submitter. Criteria: ACMG Guidelines, 2015. Collection method: clinical testing. Allele origin: germline.

Illumina Laboratory Services, Illumina
Classification: Uncertain significance for Emery-Dreifuss muscular dystrophy 5, autosomal dominant. Last evaluated: 2018-01-12. Review status: criteria provided, single submitter. Criteria: ICSL Variant Classification Criteria 13 December 2019. Collection method: clinical testing. Allele origin: germline.

NM_182914.3(SYNE2):c.1844T>C (p.Phe615Ser)

Gene: SYNE2 (spectrin repeat containing nuclear envelope protein 2; plus strand). Cytogenetic location: 14q23.2.
Variant type: single nucleotide variant.
Coding change: c.1844T>C on transcript NM_182914.3 (MANE Select); coding-DNA position 1844, T replaced by C.
Protein change: p.Phe615Ser; replaces phenylalanine 615 with serine.
Molecular consequence: missense variant.
Genome position (GRCh38, 1-based): chr14:63,982,637, T>C. VCF-style: chr14-63982637-T-C. GRCh37 (hg19) VCF-style: chr14-64449355-T-C.
Other names: c.1844T>C, p.Phe615Ser (NM_015180.6); short protein forms F615S.
Identifiers: ClinVar variation 313490 (VCV000313490.14), dbSNP rs369877790, ClinGen allele CA7219537.